The following is an entry in ClinVar:

NM_001429.4(EP300):c.880G>C (p.Val294Leu)

Gene: EP300 (EP300 lysine acetyltransferase; plus strand). Cytogenetic location: 22q13.2.
Variant type: single nucleotide variant.
Coding change: c.880G>C on transcript NM_001429.4 (MANE Select); coding-DNA position 880, G replaced by C.
Protein change: p.Val294Leu; replaces valine 294 with leucine.
Molecular consequence: missense variant.
Genome position (GRCh38, 1-based): chr22:41,126,014, G>C. VCF-style: chr22-41126014-G-C. GRCh37 (hg19) VCF-style: chr22-41522018-G-C.
Other names: c.880G>C, p.Val294Leu (NM_001362843.2); short protein forms V294L.
Identifiers: ClinVar variation 5000188 (VCV005000188.1).

ClinVar aggregate classification (germline): Uncertain significance (1 of 4 stars; one submission).

Conditions:
EP300-related disorder. Also called: EP300-related condition; EP300-related disorders.

gnomAD v4.1: 2 of 1,614,156 alleles (0.00012%); highest among the groups gnomAD compares: Admixed American, 0.0033%; no homozygotes.

Submission:

PreventionGenetics, part of Exact Sciences
Classification: Uncertain significance for EP300-related condition. Last evaluated: 2025-01-13. Review status: criteria provided, single submitter. Criteria: ACMG Guidelines, 2015. Collection method: clinical testing. Allele origin: germline.
Comment: The EP300 c.880G>C variant is predicted to result in the amino acid substitution p.Val294Leu. To our knowledge, this variant has not been reported in the literature. This variant is reported in 0.0029% of alleles in individuals of Latino descent in gnomAD. At this time, the clinical significance of this variant is uncertain due to the absence of conclusive functional and genetic evidence.